The following is an entry in ClinVar:

NM_000059.4(BRCA2):c.2792G>T (p.Gly931Val)

Gene: BRCA2 (BRCA2 DNA repair associated; plus strand). Cytogenetic location: 13q13.1.
Variant type: single nucleotide variant.
Coding change: c.2792G>T on transcript NM_000059.4 (MANE Select); coding-DNA position 2792, G replaced by T.
Protein change: p.Gly931Val; replaces glycine 931 with valine.
Molecular consequence: missense variant. On other transcripts: non-coding transcript variant (1), intron variant (2).
Genome position (GRCh38, 1-based): chr13:32,337,147, G>T. VCF-style: chr13-32337147-G-T. GRCh37 (hg19) VCF-style: chr13-32911284-G-T.
Other names: c.2792G>T, p.Gly931Val (NM_001406719.1, NM_001406720.1, NM_001432077.1); c.1909+3760G>T (NM_001406721.1); c.424+6117G>T (NM_001406722.1); short protein forms G931V.
Identifiers: ClinVar variation 3482057 (VCV003482057.1).
Genomic context (GRCh38, chr13:32,337,147, plus strand): 5'-AAACAGACTTGACTTGTGTAAACGAACCCATTTTCAAGAACTCTACCATGGTTTTATATG[G>T]AGACACAGGTGATAAACAAGCAACCCAAGTGTCAATTAAAAAAGATTTGGTTTATGTTCT-3'
Protein context (NP_000050.3, residues 921-941): IFKNSTMVLY[Gly931Val]DTGDKQATQV

ClinVar aggregate classification (germline): Uncertain significance (1 of 4 stars; one submission).

Conditions:
Hereditary cancer-predisposing syndrome. Also called: Tumor predisposition; Neoplastic Syndromes, Hereditary; Hereditary Cancer Syndrome; Hereditary neoplastic syndrome. Identifiers: Orphanet 140162, MedGen C0027672, MeSH D009386, MONDO:0015356.

Submission:

Ambry Genetics
Classification: Uncertain significance for Hereditary cancer-predisposing syndrome. Last evaluated: 2024-08-12. Review status: criteria provided, single submitter. Criteria: Ambry Variant Classification Scheme 2023. Collection method: clinical testing. Allele origin: germline.
Comment: The p.G931V variant (also known as c.2792G>T), located in coding exon 10 of the BRCA2 gene, results from a G to T substitution at nucleotide position 2792. The glycine at codon 931 is replaced by valine, an amino acid with dissimilar properties. This amino acid position is conserved. In addition, this alteration is predicted to be tolerated by in silico analysis. Based on the available evidence, the clinical significance of this variant remains unclear.